The following is an entry in ClinVar:

NM_002471.4(MYH6):c.5563C>T (p.Gln1855Ter)

Gene: MYH6 (myosin heavy chain 6; minus strand). Cytogenetic location: 14q11.2.
Variant type: single nucleotide variant.
Coding change: c.5563C>T on transcript NM_002471.4 (MANE Select); coding-DNA position 5563, C replaced by T.
Protein change: p.Gln1855Ter; replaces glutamine 1855 with a stop codon.
Molecular consequence: nonsense.
Genome position (GRCh38, 1-based): chr14:23,384,444, G>A on the plus strand (C>T on the coding strand, the complement: MYH6 is on the minus strand). VCF-style: chr14-23384444-G-A. GRCh37 (hg19) VCF-style: chr14-23853653-G-A.
Other names: short protein forms Q1855*.
Identifiers: ClinVar variation 2740317 (VCV002740317.5), dbSNP rs769420961, ClinGen allele CA7114399.
Genomic context (GRCh38, chr14:23,384,444, plus strand): 5'-CAGTGGGGCCAGAGAAGAAACTTCCACATCTACTCCTGGTGTCTGGCGTCCGCCGCACCT[G>A]GTAGGTGAGCTCCTTGATGCGCCGCTCGCTCTTCCTCATGCCCTTCACCGACTCTGCGTT-3'

ClinVar aggregate classification (germline): Uncertain significance. Review status: criteria provided, multiple submitters, no conflicts (2 of 4 stars). 2 submissions from 2 submitters: Uncertain significance (2). Last evaluated 2023-09-09.

Conditions:
Atrial septal defect 3 (ASD3). Identifiers: Orphanet 1478, MedGen C3279790, MONDO:0013567, OMIM 614089.
Dilated cardiomyopathy 1EE (CMD1EE). Identifiers: Orphanet 154, MedGen C2750466, MONDO:0013198, OMIM 613252.
Hypertrophic cardiomyopathy 14. Identifiers: MedGen C2750467, MONDO:0013197, OMIM 613251.
Sick sinus syndrome 3, susceptibility to (SSS3). Identifiers: Orphanet 166282, MedGen C3279791, MONDO:0013568, OMIM 614090.

Allele frequency attached by ClinVar (database versions not stated): gnomAD exomes below 0.00001; ExAC 0.00001; TOPMed 0.00001.
gnomAD v4.1: 1 of 1,610,386 alleles (0.000062%); highest among the groups gnomAD compares: Non-Finnish European, 0.000085%; no homozygotes.

Submissions (2):

Labcorp Genetics (formerly Invitae), Labcorp
Classification: Uncertain significance for Hypertrophic cardiomyopathy 14. Last evaluated: 2023-09-09. Review status: criteria provided, single submitter. Criteria: Invitae Variant Classification Sherloc (09022015). Collection method: clinical testing. Allele origin: germline.
Comment: The frequency data for this variant in the population databases is considered unreliable, as metrics indicate poor data quality at this position in the gnomAD database. This variant has not been reported in the literature in individuals affected with MYH6-related conditions. In summary, the available evidence is currently insufficient to determine the role of this variant in disease. Therefore, it has been classified as a Variant of Uncertain Significance. This sequence change creates a premature translational stop signal (p.Gln1855*) in the MYH6 gene. It is expected to result in an absent or disrupted protein product. However, the current clinical and genetic evidence is not sufficient to establish whether loss-of-function variants in MYH6 cause disease.

Juno Genomics, Hangzhou Juno Genomics, Inc
Classification: Uncertain significance for Sick sinus syndrome 3, susceptibility to; Atrial septal defect 3; Dilated cardiomyopathy 1EE; Hypertrophic cardiomyopathy 14. Review status: criteria provided, single submitter. Criteria: ACMG Guidelines, 2015. Collection method: clinical testing. Allele origin: germline.
Comment: Absent from controls (or at extremely low frequency if recessive) in Genome Aggregation Database.